The following is an entry in ClinVar:

NM_001212.4(C1QBP):c.218C>G (p.Ser73Trp)

Genes: C1QBP (complement C1q binding protein; minus strand), LOC130060074 (ATAC-STARR-seq lymphoblastoid silent region 8069; plus strand). Cytogenetic location: 17p13.2.
Variant type: single nucleotide variant.
Coding change: c.218C>G on transcript NM_001212.4 (MANE Select); coding-DNA position 218, C replaced by G.
Protein change: p.Ser73Trp; replaces serine 73 with tryptophan.
Molecular consequence: missense variant.
Genome position (GRCh38, 1-based): chr17:5,438,856, G>C on the plus strand (C>G on the coding strand, the complement: C1QBP is on the minus strand). VCF-style: chr17-5438856-G-C. GRCh37 (hg19) VCF-style: chr17-5342176-G-C.
Other names: short protein forms S73W.
Identifiers: ClinVar variation 2193377 (VCV002193377.1), dbSNP rs1052892904, ClinGen allele CA397373692.

ClinVar aggregate classification (germline): Uncertain significance (1 of 4 stars; one submission).

gnomAD v4.1: 1 of 1,546,144 alleles (0.000065%); highest among the groups gnomAD compares: Admixed American, 0.002%; no homozygotes.

Submission:

Labcorp Genetics (formerly Invitae), Labcorp
Classification: Uncertain significance. Last evaluated: 2022-08-09. Review status: criteria provided, single submitter. Criteria: Invitae Variant Classification Sherloc (09022015). Collection method: clinical testing. Allele origin: germline.
Comment: This sequence change replaces serine, which is neutral and polar, with tryptophan, which is neutral and slightly polar, at codon 73 of the C1QBP protein (p.Ser73Trp). This variant is not present in population databases (gnomAD no frequency). This variant has not been reported in the literature in individuals affected with C1QBP-related conditions. Algorithms developed to predict the effect of missense changes on protein structure and function are either unavailable or do not agree on the potential impact of this missense change (SIFT: "Deleterious"; PolyPhen-2: "Possibly Damaging"; Align-GVGD: "Class C0"). In summary, the available evidence is currently insufficient to determine the role of this variant in disease. Therefore, it has been classified as a Variant of Uncertain Significance.